The following is an entry in ClinVar:

ClinVar aggregate classification (germline): Likely benign. Review status: criteria provided, single submitter (1 of 4 stars). 2 submissions from 2 submitters: Likely benign (1). 1 of the submissions does not count toward it. Last evaluated 2026-01-27.

Conditions:
NEB-related disorder. Also called: NEB-related condition; NEB-Related Disorders.
Nemaline myopathy 2 (NEM2). Also called: Nemaline myopathy 2, autosomal recessive. Identifiers: MedGen C1850569, MONDO:0009725, OMIM 256030.

Allele frequency attached by ClinVar (database versions not stated): TOPMed 0.00004; ESP Exome Variant Server 0.00008; gnomAD 0.00008 and 0.00009; gnomAD exomes 0.00008 and 0.00010; ExAC 0.00013.
gnomAD v4.1: 138 of 1,605,602 alleles (0.0086%); highest among the groups gnomAD compares: Non-Finnish European, 0.0081%; no homozygotes.

Submissions (2):

Labcorp Genetics (formerly Invitae), Labcorp
Classification: Likely benign for Nemaline myopathy 2. Last evaluated: 2026-01-27. Review status: criteria provided, single submitter. Criteria: Invitae Variant Classification Sherloc (09022015). Collection method: clinical testing. Allele origin: germline.

PreventionGenetics, part of Exact Sciences
Classification: Likely benign for NEB-related condition. Last evaluated: 2019-03-21. Review status: no assertion criteria provided. Collection method: clinical testing. Allele origin: germline. Not counted in ClinVar's aggregate classification.
Comment: This variant is classified as likely benign based on ACMG/AMP sequence variant interpretation guidelines (Richards et al. 2015 PMID: 25741868, with internal and published modifications).

NM_001164508.2(NEB):c.24570C>T (p.Asn8190=)

Genes: RIF1 (replication timing regulatory factor 1; plus strand), NEB (nebulin; minus strand). Cytogenetic location: 2q23.3.
Variant type: single nucleotide variant.
Coding change: c.24570C>T on transcript NM_001164508.2 (MANE Select); coding-DNA position 24570, C replaced by T.
Protein change: p.Asn8190=; no amino-acid change (asparagine 8190 retained).
Molecular consequence: synonymous variant.
Genome position (GRCh38, 1-based): chr2:151,494,170, G>A on the plus strand (C>T on the coding strand, the complement: NEB is on the minus strand). VCF-style: chr2-151494170-G-A. GRCh37 (hg19) VCF-style: chr2-152350684-G-A.
Other names: c.24570C>T, p.Asn8190= (NM_001164507.2); c.24675C>T, p.Asn8225= (NM_001271208.2); c.19002C>T, p.Asn6334= (NM_004543.5).
Identifiers: ClinVar variation 708622 (VCV000708622.12), dbSNP rs201566336, ClinGen allele CA1905999.